The following is an entry in ClinVar:

ClinVar aggregate classification (germline): Uncertain significance (1 of 4 stars; one submission).

Submission:

CeGaT Center for Human Genetics Tuebingen
Classification: Uncertain significance. Last evaluated: 2023-01-01. Review status: criteria provided, single submitter. Criteria: CeGaT Center For Human Genetics Tuebingen Variant Classification Criteria Version 2. Collection method: clinical testing. Allele origin: germline. Affected: yes. Observed: 1 variant allele.
Comment: FSIP2: PM2, PP2, BP4

NM_173651.4(FSIP2):c.18711A>T (p.Glu6237Asp)

Gene: FSIP2 (fibrous sheath interacting protein 2; plus strand). Cytogenetic location: 2q32.1.
Variant type: single nucleotide variant.
Coding change: c.18711A>T on transcript NM_173651.4 (MANE Select); coding-DNA position 18711, A replaced by T.
Protein change: p.Glu6237Asp; replaces glutamic acid 6237 with aspartic acid.
Molecular consequence: missense variant.
Genome position (GRCh38, 1-based): chr2:185,808,017, A>T. VCF-style: chr2-185808017-A-T. GRCh37 (hg19) VCF-style: chr2-186672744-A-T.
Other names: short protein forms E6237D.
Identifiers: ClinVar variation 2498857 (VCV002498857.28), dbSNP rs2468796735, ClinGen allele CA349818968.